The following is an entry in ClinVar:

ClinVar aggregate classification (germline): Uncertain significance. Review status: criteria provided, multiple submitters, no conflicts (2 of 4 stars). 2 submissions from 2 submitters: Uncertain significance (2). Last evaluated 2024-05-16.

Conditions:
Hereditary cancer-predisposing syndrome. Also called: Neoplastic Syndromes, Hereditary; Hereditary Cancer Syndrome; Tumor predisposition; Hereditary neoplastic syndrome. Identifiers: Orphanet 140162, MedGen C0027672, MeSH D009386, MONDO:0015356.
Hereditary nonpolyposis colorectal neoplasms. Identifiers: MedGen C0009405, MeSH D003123.

gnomAD v4.1: 1 of 1,614,038 alleles (0.000062%); highest among the groups gnomAD compares: Non-Finnish European, 0.000085%; no homozygotes.

Submissions (2):

Ambry Genetics
Classification: Uncertain significance for Hereditary cancer-predisposing syndrome. Last evaluated: 2024-05-16. Review status: criteria provided, single submitter. Criteria: Ambry Variant Classification Scheme 2023. Collection method: clinical testing. Allele origin: germline.
Comment: The p.V215L variant (also known as c.643G>T), located in coding exon 6 of the PMS2 gene, results from a G to T substitution at nucleotide position 643. The valine at codon 215 is replaced by leucine, an amino acid with highly similar properties. This amino acid position is conserved. In addition, this alteration is predicted to be tolerated by in silico analysis. Based on the available evidence, the clinical significance of this variant remains unclear.

Labcorp Genetics (formerly Invitae), Labcorp
Classification: Uncertain significance for Hereditary nonpolyposis colorectal neoplasms. Last evaluated: 2022-08-04. Review status: criteria provided, single submitter. Criteria: Invitae Variant Classification Sherloc (09022015). Collection method: clinical testing. Allele origin: germline.
Comment: This sequence change replaces valine, which is neutral and non-polar, with leucine, which is neutral and non-polar, at codon 215 of the PMS2 protein (p.Val215Leu). In summary, the available evidence is currently insufficient to determine the role of this variant in disease. Therefore, it has been classified as a Variant of Uncertain Significance. Algorithms developed to predict the effect of sequence changes on RNA splicing suggest that this variant may disrupt the consensus splice site. Advanced modeling of protein sequence and biophysical properties (such as structural, functional, and spatial information, amino acid conservation, physicochemical variation, residue mobility, and thermodynamic stability) performed at Invitae indicates that this missense variant is not expected to disrupt PMS2 protein function. This variant has not been reported in the literature in individuals affected with PMS2-related conditions. This variant is not present in population databases (gnomAD no frequency).

NM_000535.7(PMS2):c.643G>T (p.Val215Leu)

Gene: PMS2 (PMS1 homolog 2, mismatch repair system component; minus strand). Cytogenetic location: 7p22.1.
Variant type: single nucleotide variant.
Coding change: c.643G>T on transcript NM_000535.7 (MANE Select); coding-DNA position 643, G replaced by T.
Protein change: p.Val215Leu; replaces valine 215 with leucine.
Molecular consequence: missense variant. On other transcripts: 5 prime UTR variant (2), non-coding transcript variant (1), intron variant (1).
Genome position (GRCh38, 1-based): chr7:5,999,170, C>A on the plus strand (G>T on the coding strand, the complement: PMS2 is on the minus strand). VCF-style: chr7-5999170-C-A. GRCh37 (hg19) VCF-style: chr7-6038801-C-A.
Other names: c.238G>T, p.Val80Leu (NM_001018040.1, NM_001322003.2, NM_001322004.2 and 20 more transcripts); c.643G>T, p.Val215Leu (NM_001322006.2, NM_001322014.2, NM_001406870.1 and 4 more transcripts); c.325G>T, p.Val109Leu (NM_001322007.2, NM_001322008.2, NM_001406876.1 and 4 more transcripts); c.-291G>T (NM_001322011.2, NM_001322012.2); c.334G>T, p.Val112Leu (NM_001322015.2, NM_001406875.1, NM_001406877.1 and 6 more transcripts); c.829G>T, p.Val277Leu (NM_001406866.1); c.667G>T, p.Val223Leu (NM_001406868.1); c.307G>T, p.Val103Leu (NM_001406885.1); and 1 more; short protein forms V277L, V80L, V103L, V112L, V215L, V109L, V223L.
Identifiers: ClinVar variation 1934090 (VCV001934090.6), dbSNP rs1064794017, ClinGen allele CA366743928.